The following is an entry in ClinVar:

ClinVar aggregate classification (germline): Uncertain significance (1 of 4 stars; one submission).

Submission:

GeneDx
Classification: Uncertain significance. Last evaluated: 2023-03-27. Review status: criteria provided, single submitter. Criteria: GeneDx Variant Classification Process June 2021. Collection method: clinical testing. Allele origin: germline. Affected: yes.
Comment: Not observed at significant frequency in large population cohorts (gnomAD); In silico analysis supports that this missense variant has a deleterious effect on protein structure/function; Has not been previously published as pathogenic or benign to our knowledge

NM_003412.4(ZIC1):c.1208C>T (p.Ser403Phe)

Gene: ZIC1 (Zic family member 1; plus strand). Cytogenetic location: 3q24.
Variant type: single nucleotide variant.
Coding change: c.1208C>T on transcript NM_003412.4 (MANE Select); coding-DNA position 1208, C replaced by T.
Protein change: p.Ser403Phe; replaces serine 403 with phenylalanine.
Molecular consequence: missense variant.
Genome position (GRCh38, 1-based): chr3:147,413,415, C>T. VCF-style: chr3-147413415-C-T. GRCh37 (hg19) VCF-style: chr3-147131202-C-T.
Other names: short protein forms S403F.
Identifiers: ClinVar variation 2582052 (VCV002582052.1), dbSNP rs2473127139, ClinGen allele CA354898489.